The following is an entry in ClinVar:

NM_000216.4(ANOS1):c.2039A>G (p.Tyr680Cys)

Gene: ANOS1 (anosmin 1; minus strand). Cytogenetic location: Xp22.31.
Variant type: single nucleotide variant.
Coding change: c.2039A>G on transcript NM_000216.4 (MANE Select); coding-DNA position 2039, A replaced by G.
Protein change: p.Tyr680Cys; replaces tyrosine 680 with cysteine.
Molecular consequence: missense variant.
Genome position (GRCh38, 1-based): chrX:8,532,999, T>C on the plus strand (A>G on the coding strand, the complement: ANOS1 is on the minus strand). VCF-style: chrX-8532999-T-C. GRCh37 (hg19) VCF-style: chrX-8501040-T-C.
Other names: short protein forms Y680C.
Identifiers: ClinVar variation 1063327 (VCV001063327.9), dbSNP rs2146784839, ClinGen allele CA411985326.

ClinVar aggregate classification (germline): Uncertain significance (1 of 4 stars; one submission).

Conditions:
Hypogonadotropic hypogonadism 1 with or without anosmia (HH1). Also called: HYPOGONADOTROPIC HYPOGONADISM 1 WITH ANOSMIA; KAL1-Related GnRH Deficiency (Kallmann Syndrome 1; Kallmann Syndrome, X-Linked); Hypogonadotropic hypogonadism 1 with or without anosmia (Kallmann syndrome 1); HYPOGONADOTROPIC HYPOGONADISM AND ANOSMIA; Kallmann syndrome, type 1, X-linked; DYSPLASIA OLFACTOGENITALIS OF DE MORSIER. Identifiers: Orphanet 478, MedGen C1563719, MONDO:0010635, OMIM 308700. Disease mechanism: loss of function.

Allele frequency attached by ClinVar (database versions not stated): gnomAD exomes below 0.00001.
gnomAD v4.1: 1 of 1,153,809 alleles (0.000087%); highest among the groups gnomAD compares: South Asian, 0.0018%; no homozygotes.

Submission:

Labcorp Genetics (formerly Invitae), Labcorp
Classification: Uncertain significance for Hypogonadotropic hypogonadism 1 with or without anosmia. Last evaluated: 2020-10-08. Review status: criteria provided, single submitter. Criteria: Invitae Variant Classification Sherloc (09022015). Collection method: clinical testing. Allele origin: germline.
Comment: In summary, the available evidence is currently insufficient to determine the role of this variant in disease. Therefore, it has been classified as a Variant of Uncertain Significance. Algorithms developed to predict the effect of missense changes on protein structure and function are either unavailable or do not agree on the potential impact of this missense change (SIFT: "Tolerated"; PolyPhen-2: "Probably Damaging"; Align-GVGD: "Class C0"). This variant has not been reported in the literature in individuals with ANOS1-related conditions. This variant is not present in population databases (ExAC no frequency). This sequence change replaces tyrosine with cysteine at codon 680 of the ANOS1 protein (p.Tyr680Cys). The tyrosine residue is moderately conserved and there is a large physicochemical difference between tyrosine and cysteine.